The following is an entry in ClinVar:

ClinVar aggregate classification (germline): Uncertain significance. Review status: criteria provided, multiple submitters, no conflicts (2 of 4 stars). 2 submissions from 2 submitters: Uncertain significance (2). Last evaluated 2024-04-21.

Conditions:
Pyruvate carboxylase deficiency. Also called: Pyruvate Carboxylase Deficiency Disease; LEIGH NECROTIZING ENCEPHALOPATHY DUE TO PYRUVATE CARBOXYLASE DEFICIENCY; LEIGH SYNDROME DUE TO PYRUVATE CARBOXYLASE DEFICIENCY; PC DEFICIENCY; ATAXIA WITH LACTIC ACIDOSIS II. Identifiers: Orphanet 3008, MedGen C0034341, MONDO:0009949, OMIM 266150.

Allele frequency attached by ClinVar (database versions not stated): gnomAD exomes below 0.00001.
gnomAD v4.1: 2 of 1,614,092 alleles (0.00012%); highest among the groups gnomAD compares: Non-Finnish European, 0.00017%; no homozygotes.

Submissions (2):

Blueprint Genetics
Classification: Uncertain significance. Last evaluated: 2024-04-21. Review status: criteria provided, single submitter. Criteria: ACMG Guidelines, 2015. Collection method: clinical testing. Allele origin: germline.

Labcorp Genetics (formerly Invitae), Labcorp
Classification: Uncertain significance for Pyruvate carboxylase deficiency. Last evaluated: 2021-10-11. Review status: criteria provided, single submitter. Criteria: Invitae Variant Classification Sherloc (09022015). Collection method: clinical testing. Allele origin: germline.
Comment: This sequence change replaces proline with leucine at codon 1115 of the PC protein (p.Pro1115Leu). The proline residue is highly conserved and there is a moderate physicochemical difference between proline and leucine. This variant is not present in population databases (ExAC no frequency). This variant has not been reported in the literature in individuals affected with PC-related conditions. Algorithms developed to predict the effect of missense changes on protein structure and function are either unavailable or do not agree on the potential impact of this missense change (SIFT: "Deleterious"; PolyPhen-2: "Probably Damaging"; Align-GVGD: "Class C0"). In summary, the available evidence is currently insufficient to determine the role of this variant in disease. Therefore, it has been classified as a Variant of Uncertain Significance.

NM_001040716.2(PC):c.3344C>T (p.Pro1115Leu)

Gene: PC (pyruvate carboxylase; minus strand). Cytogenetic location: 11q13.2.
Variant type: single nucleotide variant.
Coding change: c.3344C>T on transcript NM_001040716.2 (MANE Select); coding-DNA position 3344, C replaced by T.
Protein change: p.Pro1115Leu; replaces proline 1115 with leucine.
Molecular consequence: missense variant.
Genome position (GRCh38, 1-based): chr11:66,849,092, G>A on the plus strand (C>T on the coding strand, the complement: PC is on the minus strand). VCF-style: chr11-66849092-G-A. GRCh37 (hg19) VCF-style: chr11-66616563-G-A.
Other names: c.3344C>T, p.Pro1115Leu (NM_000920.4, NM_022172.3); short protein forms P1115L.
Identifiers: ClinVar variation 1423488 (VCV001423488.4), dbSNP rs2135783978, ClinGen allele CA381489595.
Genomic context (GRCh38, chr11:66,849,092, plus strand): 5'-TGGCCCTTGGCCACCTTGGCCCCTGCCACCACTTTGATGTCTATCACCTTCCCAGGCATG[G>A]GCGCCCCGATCTGGCCCTTCACGTCCTTTAGGGCCTTGGGGTGGAAGTGCATCTCCTGAA-3'
Protein context (NP_001035806.1, residues 1105-1125): LKDVKGQIGA[Pro1115Leu]MPGKVIDIKV